The following is an entry in ClinVar:

NM_014915.3(ANKRD26):c.1892C>T (p.Ser631Leu)

Gene: ANKRD26 (ankyrin repeat domain containing 26; minus strand). Cytogenetic location: 10p12.1.
Variant type: single nucleotide variant.
Coding change: c.1892C>T on transcript NM_014915.3 (MANE Select); coding-DNA position 1892, C replaced by T.
Protein change: p.Ser631Leu; replaces serine 631 with leucine.
Molecular consequence: missense variant.
Genome position (GRCh38, 1-based): chr10:27,046,446, G>A on the plus strand (C>T on the coding strand, the complement: ANKRD26 is on the minus strand). VCF-style: chr10-27046446-G-A. GRCh37 (hg19) VCF-style: chr10-27335375-G-A.
Other names: c.1889C>T, p.Ser630Leu (NM_001256053.2); short protein forms S630L, S631L.
Identifiers: ClinVar variation 3870193 (VCV003870193.1).

ClinVar aggregate classification (germline): Uncertain significance (1 of 4 stars; one submission).

Conditions:
Inborn genetic diseases. Identifiers: MedGen C0950123, MeSH D030342.

Submission:

Ambry Genetics
Classification: Uncertain significance for Inborn genetic diseases. Last evaluated: 2025-01-09. Review status: criteria provided, single submitter. Criteria: Ambry Variant Classification Scheme 2023. Collection method: clinical testing. Allele origin: germline.
Comment: The p.S631L variant (also known as c.1892C>T), located in coding exon 18 of the ANKRD26 gene, results from a C to T substitution at nucleotide position 1892. The serine at codon 631 is replaced by leucine, an amino acid with dissimilar properties. This amino acid position is conserved. In addition, this alteration is predicted to be tolerated by in silico analysis. Based on the available evidence, the clinical significance of this variant remains unclear.